The following is an entry in ClinVar:

NM_001256317.3(TMPRSS3):c.333T>C (p.Gly111=)

Gene: TMPRSS3 (transmembrane serine protease 3; minus strand). Cytogenetic location: 21q22.3.
Variant type: single nucleotide variant.
Coding change: c.333T>C on transcript NM_001256317.3 (MANE Select); coding-DNA position 333, T replaced by C.
Protein change: p.Gly111=; no amino-acid change (glycine 111 retained).
Molecular consequence: synonymous variant. On other transcripts: 5 prime UTR variant (1).
Genome position (GRCh38, 1-based): chr21:42,388,516, A>G on the plus strand (T>C on the coding strand, the complement: TMPRSS3 is on the minus strand). VCF-style: chr21-42388516-A-G. GRCh37 (hg19) VCF-style: chr21-43808625-A-G.
Other names: c.333T>C, p.Gly111= (NM_024022.4, NM_032405.2); c.-49T>C (NM_032404.3).
Identifiers: ClinVar variation 46116 (VCV000046116.8), dbSNP rs397517375, ClinGen allele CA137710.

ClinVar aggregate classification (germline): Likely benign. Review status: criteria provided, multiple submitters, no conflicts (2 of 4 stars). 2 submissions from 2 submitters: Likely benign (2). Last evaluated 2023-11-02.

Allele frequency attached by ClinVar (database versions not stated): gnomAD exomes 0.00001.

Submissions (2):

Labcorp Genetics (formerly Invitae), Labcorp
Classification: Likely benign. Last evaluated: 2023-11-02. Review status: criteria provided, single submitter. Criteria: Invitae Variant Classification Sherloc (09022015). Collection method: clinical testing. Allele origin: germline.

Laboratory for Molecular Medicine, Mass General Brigham Personalized Medicine
Classification: Likely benign. Last evaluated: 2011-01-20. Review status: criteria provided, single submitter. Criteria: LMM Criteria. Collection method: clinical testing. Allele origin: germline. Observed: 1 variant allele.
Comment: Gly111Gly in exon 5 of TMPRSS3: This variant is not expected to have clinical si gnificance because it does not alter an amino acid residue and is not located ne ar a splice junction.